The following is an entry in ClinVar:

NM_001377229.1(DISP1):c.743C>T (p.Ala248Val)

Gene: DISP1 (dispatched RND transporter family member 1; plus strand). Cytogenetic location: 1q41.
Variant type: single nucleotide variant.
Coding change: c.743C>T on transcript NM_001377229.1 (MANE Select); coding-DNA position 743, C replaced by T.
Protein change: p.Ala248Val; replaces alanine 248 with valine.
Molecular consequence: missense variant. On other transcripts: 5 prime UTR variant (1).
Genome position (GRCh38, 1-based): chr1:222,991,599, C>T. VCF-style: chr1-222991599-C-T. GRCh37 (hg19) VCF-style: chr1-223164941-C-T.
Other names: c.-145C>T (NM_001350630.2); c.743C>T, p.Ala248Val (NM_001369594.1, NM_001377228.1, NM_032890.5); short protein forms A248V.
Identifiers: ClinVar variation 397657 (VCV000397657.7), dbSNP rs1029577112, ClinGen allele CA16609489.

ClinVar aggregate classification (germline): Uncertain significance. Review status: criteria provided, multiple submitters, no conflicts (2 of 4 stars). 2 submissions from 2 submitters: Uncertain significance (2). Last evaluated 2025-08-31.

Conditions:
Holoprosencephaly sequence (HPE). Also called: Holoprosencephaly. Identifiers: Orphanet 2162, MedGen C0079541, MONDO:0016296, HP:0001360.

Allele frequency attached by ClinVar (database versions not stated): gnomAD 0.00001; gnomAD exomes 0.00002; TOPMed 0.00004.
gnomAD v4.1: 13 of 1,613,562 alleles (0.00081%); highest among the groups gnomAD compares: Admixed American, 0.01%; no homozygotes.

Submissions (3):

Labcorp Genetics (formerly Invitae), Labcorp
Classification: Uncertain significance. Last evaluated: 2025-08-31. Review status: criteria provided, single submitter. Criteria: Invitae Variant Classification Sherloc (09022015). Collection method: clinical testing. Allele origin: germline.
Comment: This sequence change replaces alanine, which is neutral and non-polar, with valine, which is neutral and non-polar, at codon 248 of the DISP1 protein (p.Ala248Val). This variant is present in population databases (no rsID available, gnomAD 0.01%). This missense change has been observed in individual(s) with holoprosencephaly (PMID: 28640243). ClinVar contains an entry for this variant (Variation ID: 397657). An algorithm developed to predict the effect of missense changes on protein structure and function (PolyPhen-2) suggests that this variant is likely to be disruptive. In summary, the available evidence is currently insufficient to determine the role of this variant in disease. Therefore, it has been classified as a Variant of Uncertain Significance.

Muenke lab, National Institutes of Health
Classification: Uncertain significance for Holoprosencephaly sequence. Review status: criteria provided, single submitter. Criteria: ACMG Guidelines, 2015. Collection method: research. Allele origin: maternal. Inheritance: Autosomal dominant inheritance. Affected: yes. Observed: 1 variant allele, 1 heterozygote.

Dr. Peter K. Rogan Lab, Western University
No classification provided (evidence only). Condition: Gastric cancer. Review status: no classification provided. Collection method: in vitro. Allele origin: not applicable. Functional consequence: retained intron. Not counted in ClinVar's aggregate classification.

Literature cited by the submitters: PubMed 28640243 (cited by Labcorp Genetics (formerly Invitae), Labcorp).